The following is an entry in ClinVar:

ClinVar aggregate classification (germline): Uncertain significance (1 of 4 stars; one submission).

gnomAD v4.1: 8 of 1,560,104 alleles (0.00051%); highest among the groups gnomAD compares: Non-Finnish European, 0.00069%; no homozygotes.

Submission:

Labcorp Genetics (formerly Invitae), Labcorp
Classification: Uncertain significance. Last evaluated: 2023-01-26. Review status: criteria provided, single submitter. Criteria: Invitae Variant Classification Sherloc (09022015). Collection method: clinical testing. Allele origin: germline.
Comment: This sequence change replaces leucine, which is neutral and non-polar, with valine, which is neutral and non-polar, at codon 110 of the ARIH1 protein (p.Leu110Val). The frequency data for this variant in the population databases is considered unreliable, as metrics indicate poor data quality at this position in the gnomAD database. This variant has not been reported in the literature in individuals affected with ARIH1-related conditions. Algorithms developed to predict the effect of missense changes on protein structure and function (SIFT, PolyPhen-2, Align-GVGD) all suggest that this variant is likely to be tolerated. In summary, the available evidence is currently insufficient to determine the role of this variant in disease. Therefore, it has been classified as a Variant of Uncertain Significance.

NM_005744.5(ARIH1):c.328C>G (p.Leu110Val)

Gene: ARIH1 (ariadne RBR E3 ubiquitin protein ligase 1; plus strand). Cytogenetic location: 15q24.1.
Variant type: single nucleotide variant.
Coding change: c.328C>G on transcript NM_005744.5 (MANE Select); coding-DNA position 328, C replaced by G.
Protein change: p.Leu110Val; replaces leucine 110 with valine.
Molecular consequence: missense variant.
Genome position (GRCh38, 1-based): chr15:72,474,967, C>G. VCF-style: chr15-72474967-C-G. GRCh37 (hg19) VCF-style: chr15-72767308-C-G.
Other names: short protein forms L110V.
Identifiers: ClinVar variation 2824232 (VCV002824232.3), dbSNP rs1210904578, ClinGen allele CA393237232.
Genomic context (GRCh38, chr15:72,474,967, plus strand): 5'-GGGCCGGGGCATGAGCAGGAGGAGGATTACCGCTACGAGGTGCTCACGGCCGAGCAGATT[C>G]TACAACACATGGTGGAATGTATCCGGGAGGTCAACGAGGTCATCCAGGTGAGGGTGGCCG-3'
Protein context (NP_005735.2, residues 100-120): RYEVLTAEQI[Leu110Val]QHMVECIREV